The following is an entry in ClinVar:

NM_152564.5(VPS13B):c.3853A>G (p.Ile1285Val)

Gene: VPS13B (vacuolar protein sorting 13 homolog B; plus strand). Cytogenetic location: 8q22.2.
Variant type: single nucleotide variant.
Coding change: c.3853A>G on transcript NM_152564.5 (MANE Select); coding-DNA position 3853, A replaced by G.
Protein change: p.Ile1285Val; replaces isoleucine 1285 with valine.
Molecular consequence: missense variant.
Genome position (GRCh38, 1-based): chr8:99,481,785, A>G. VCF-style: chr8-99481785-A-G. GRCh37 (hg19) VCF-style: chr8-100494013-A-G.
Other names: c.3853A>G, p.Ile1285Val (NM_017890.5); short protein forms I1285V.
Identifiers: ClinVar variation 1022897 (VCV001022897.9), dbSNP rs759888573, ClinGen allele CA4823348.

ClinVar aggregate classification (germline): Uncertain significance. Review status: criteria provided, single submitter (1 of 4 stars). 2 submissions from 2 submitters: Uncertain significance (1). 1 of the submissions does not count toward it. Last evaluated 2024-01-31.

Conditions:
Cohen syndrome (COH1). Also called: Cutis verticis gyrata, retinitis pigmentosa, and sensorineural deafness; PEPPER SYNDROME. Identifiers: Orphanet 193, MedGen C0265223, MONDO:0008999, OMIM 216550.

Allele frequency attached by ClinVar (database versions not stated): gnomAD exomes 0.00001; ExAC 0.00002.
gnomAD v4.1: 3 of 1,613,866 alleles (0.00019%); highest among the groups gnomAD compares: South Asian, 0.0033%; no homozygotes.

Submissions (2):

Labcorp Genetics (formerly Invitae), Labcorp
Classification: Uncertain significance for Cohen syndrome. Last evaluated: 2024-01-31. Review status: criteria provided, single submitter. Criteria: Invitae Variant Classification Sherloc (09022015). Collection method: clinical testing. Allele origin: germline.
Comment: This sequence change replaces isoleucine, which is neutral and non-polar, with valine, which is neutral and non-polar, at codon 1285 of the VPS13B protein (p.Ile1285Val). This variant is present in population databases (rs759888573, gnomAD 0.006%). This variant has not been reported in the literature in individuals affected with VPS13B-related conditions. ClinVar contains an entry for this variant (Variation ID: 1022897). Advanced modeling of protein sequence and biophysical properties (such as structural, functional, and spatial information, amino acid conservation, physicochemical variation, residue mobility, and thermodynamic stability) performed at Invitae indicates that this missense variant is not expected to disrupt VPS13B protein function with a negative predictive value of 80%. In summary, the available evidence is currently insufficient to determine the role of this variant in disease. Therefore, it has been classified as a Variant of Uncertain Significance.

Natera, Inc.
Classification: Uncertain significance for Cohen syndrome. Last evaluated: 2020-09-02. Review status: no assertion criteria provided. Collection method: clinical testing. Allele origin: germline. Not counted in ClinVar's aggregate classification.